The following is an entry in ClinVar:

ClinVar aggregate classification (germline): Uncertain significance (1 of 4 stars; one submission).

Submission:

Labcorp Genetics (formerly Invitae), Labcorp
Classification: Uncertain significance. Last evaluated: 2024-10-07. Review status: criteria provided, single submitter. Criteria: Invitae Variant Classification Sherloc (09022015). Collection method: clinical testing. Allele origin: germline.
Comment: This sequence change replaces phenylalanine, which is neutral and non-polar, with leucine, which is neutral and non-polar, at codon 467 of the ABCC6 protein (p.Phe467Leu). This variant is not present in population databases (gnomAD no frequency). This variant has not been reported in the literature in individuals affected with ABCC6-related conditions. ClinVar contains an entry for this variant (Variation ID: 2002952). Invitae Evidence Modeling of protein sequence and biophysical properties (such as structural, functional, and spatial information, amino acid conservation, physicochemical variation, residue mobility, and thermodynamic stability) has been performed for this missense variant. However, the output from this modeling did not meet the statistical confidence thresholds required to predict the impact of this variant on ABCC6 protein function. In summary, the available evidence is currently insufficient to determine the role of this variant in disease. Therefore, it has been classified as a Variant of Uncertain Significance.

NM_001171.6(ABCC6):c.1401C>A (p.Phe467Leu)

Gene: ABCC6 (ATP binding cassette subfamily C member 6; minus strand). Cytogenetic location: 16p13.11.
Variant type: single nucleotide variant.
Coding change: c.1401C>A on transcript NM_001171.6 (MANE Select); coding-DNA position 1401, C replaced by A.
Protein change: p.Phe467Leu; replaces phenylalanine 467 with leucine.
Molecular consequence: missense variant. On other transcripts: non-coding transcript variant (1).
Genome position (GRCh38, 1-based): chr16:16,192,860, G>T on the plus strand (C>A on the coding strand, the complement: ABCC6 is on the minus strand). VCF-style: chr16-16192860-G-T. GRCh37 (hg19) VCF-style: chr16-16286717-G-T.
Other names: c.1059C>A, p.Phe353Leu (NM_001351800.1); short protein forms F353L, F467L.
Identifiers: ClinVar variation 2002952 (VCV002002952.4), dbSNP rs2511023566, ClinGen allele CA394890017.
Genomic context (GRCh38, chr16:16,192,860, plus strand): 5'-CCTGGTCCGTCCCTTTCCCAAAAGCCAAACCTGATGGTGGTTCCTTTTCTTGGAGATGAA[G>T]AAATTCAGAGGGAGGAGGCTCAGGAAGACAGCGATGGCAGTGAGGGCGGAGGGCCCCAGG-3'
Protein context (NP_001162.5, residues 457-477): AVFLSLLPLN[Phe467Leu]FISKKRNHHQ